The following is an entry in ClinVar:

ClinVar aggregate classification (germline): Uncertain significance (1 of 4 stars; one submission).

Allele frequency attached by ClinVar (database versions not stated): TOPMed 0.00002.

Submission:

Labcorp Genetics (formerly Invitae), Labcorp
Classification: Uncertain significance. Last evaluated: 2023-06-29. Review status: criteria provided, single submitter. Criteria: Invitae Variant Classification Sherloc (09022015). Collection method: clinical testing. Allele origin: germline.
Comment: This sequence change creates a premature translational stop signal (p.Arg681*) in the FBN3 gene. It is expected to result in an absent or disrupted protein product. However, the current clinical and genetic evidence is not sufficient to establish whether loss-of-function variants in FBN3 cause disease. This variant is present in population databases (no rsID available, gnomAD 0.002%). This variant has not been reported in the literature in individuals affected with FBN3-related conditions. In summary, the available evidence is currently insufficient to determine the role of this variant in disease. Therefore, it has been classified as a Variant of Uncertain Significance.

NM_032447.5(FBN3):c.2041C>T (p.Arg681Ter)

Gene: FBN3 (fibrillin 3; minus strand). Cytogenetic location: 19p13.2.
Variant type: single nucleotide variant.
Coding change: c.2041C>T on transcript NM_032447.5 (MANE Select); coding-DNA position 2041, C replaced by T.
Protein change: p.Arg681Ter; replaces arginine 681 with a stop codon.
Molecular consequence: nonsense.
Genome position (GRCh38, 1-based): chr19:8,131,238, G>A on the plus strand (C>T on the coding strand, the complement: FBN3 is on the minus strand). VCF-style: chr19-8131238-G-A. GRCh37 (hg19) VCF-style: chr19-8196122-G-A.
Other names: c.2041C>T, p.Arg681Ter (NM_001321431.2); short protein forms R681*.
Identifiers: ClinVar variation 2707352 (VCV002707352.3), dbSNP rs1391070198, ClinGen allele CA403704066.